The following is an entry in ClinVar:

NM_000059.4(BRCA2):c.581_582insACC (p.Trp194Ter)

Gene: BRCA2 (BRCA2 DNA repair associated; plus strand). Cytogenetic location: 13q13.1.
Variant type: Insertion.
Coding change: c.581_582insACC on transcript NM_000059.4 (MANE Select); coding-DNA positions 581 to 582, ACC inserted.
Protein change: p.Trp194Ter; replaces tryptophan 194 with a stop codon.
Molecular consequence: nonsense. On other transcripts: non-coding transcript variant (1).
Genome position: GRCh38 VCF-style: chr13-32326563-G-GACC. GRCh37 (hg19) VCF-style: chr13-32900700-G-GACC.
Other names: c.581_582insACC, p.Trp194Ter (NM_001406719.1, NM_001406720.1, NM_001406721.1 and 1 more transcripts); c.212_213insACC, p.Trp71Ter (NM_001406722.1); short protein forms W194*, W71*.
Identifiers: ClinVar variation 4725248 (VCV004725248.1).

ClinVar aggregate classification (germline): Pathogenic (1 of 4 stars; one submission).

Conditions:
Hereditary breast ovarian cancer syndrome. Also called: Hereditary breast and/or ovarian cancer syndrome; Hereditary breast and ovarian cancer syndrome; Breast and ovarian cancer; Hereditary breast and ovarian cancer syndrome (HBOC); BRCA1- and BRCA2-Associated Hereditary Breast and Ovarian Cancer; Hereditary breast and ovarian cancer. Identifiers: Orphanet 145, MedGen C0677776, MeSH D061325, MONDO:0003582. Disease mechanism: loss of function.

Submission:

Labcorp Genetics (formerly Invitae), Labcorp
Classification: Pathogenic for Hereditary breast ovarian cancer syndrome. Last evaluated: 2025-08-11. Review status: criteria provided, single submitter. Criteria: Invitae Variant Classification Sherloc (09022015). Collection method: clinical testing. Allele origin: germline.
Comment: This sequence change creates a premature translational stop signal (p.Trp194*) in the BRCA2 gene. It is expected to result in an absent or disrupted protein product. Loss-of-function variants in BRCA2 are known to be pathogenic (PMID: 20104584). This variant is not present in population databases (gnomAD no frequency). This premature translational stop signal has been observed in individual(s) with breast cancer (PMID: 8673091, 26577449). For these reasons, this variant has been classified as Pathogenic.

Literature cited by the submitters: PubMed 20104584; PubMed 8673091; PubMed 26577449.